The following is an entry in ClinVar:

NM_024334.3(TMEM43):c.527A>G (p.Glu176Gly)

Gene: TMEM43 (transmembrane protein 43; plus strand). Cytogenetic location: 3p25.1.
Variant type: single nucleotide variant.
Coding change: c.527A>G on transcript NM_024334.3 (MANE Select); coding-DNA position 527, A replaced by G.
Protein change: p.Glu176Gly; replaces glutamic acid 176 with glycine.
Molecular consequence: missense variant.
Genome position (GRCh38, 1-based): chr3:14,133,753, A>G. VCF-style: chr3-14133753-A-G. GRCh37 (hg19) VCF-style: chr3-14175253-A-G.
Other names: c.527A>G, p.Glu176Gly (NM_001407276.1, NM_001407277.1, NM_001407279.1 and 1 more transcripts); c.512A>G, p.Glu171Gly (NM_001407278.1); c.377A>G, p.Glu126Gly (NM_001407280.1); c.530A>G, p.Glu177Gly (NM_001407274.1); short protein forms E171G, E177G, E126G, E176G.
Identifiers: ClinVar variation 2774597 (VCV002774597.3), dbSNP rs2470185995, ClinGen allele CA351535295.

ClinVar aggregate classification (germline): Uncertain significance (1 of 4 stars; one submission).

Conditions:
Cardiomyopathy (CMYO). Also called: Cardiomyopathies. Identifiers: Orphanet 167848, MedGen C0878544, MONDO:0004994, HP:0001638. Inheritance: Various modes of inheritance.

Allele frequency attached by ClinVar (database versions not stated): gnomAD exomes below 0.00001.
gnomAD v4.1: 2 of 1,614,136 alleles (0.00012%); highest among the groups gnomAD compares: Non-Finnish European, 0.00017%; no homozygotes.

Submission:

Color Diagnostics, LLC DBA Color Health
Classification: Uncertain significance for Cardiomyopathy. Last evaluated: 2025-09-22. Review status: criteria provided, single submitter. Criteria: ACMG Guidelines, 2015. Collection method: clinical testing. Allele origin: germline.
Comment: This missense variant replaces glutamic acid with glycine at codon 176 of the TMEM43 protein. Computational prediction suggests that this variant may not impact protein structure and function. To our knowledge, functional studies have not been reported for this variant. This variant has not been reported in individuals affected with TMEM43-related disorders in the literature. This variant has not been identified in the general population by the Genome Aggregation Database (gnomAD). The available evidence is insufficient to determine the role of this variant in disease conclusively. Therefore, this variant is classified as a Variant of Uncertain Significance.